The following is an entry in ClinVar:

ClinVar aggregate classification (germline): Uncertain significance (1 of 4 stars; one submission).

Conditions:
Dyskeratosis congenita. Identifiers: Orphanet 1775, MedGen C0265965, MONDO:0015780.

Allele frequency attached by ClinVar (database versions not stated): gnomAD exomes below 0.00001; gnomAD 0.00001; TOPMed 0.00002.

Submission:

Labcorp Genetics (formerly Invitae), Labcorp
Classification: Uncertain significance for Dyskeratosis congenita. Last evaluated: 2025-08-10. Review status: criteria provided, single submitter. Criteria: Invitae Variant Classification Sherloc (09022015). Collection method: clinical testing. Allele origin: germline.
Comment: This sequence change replaces asparagine, which is neutral and polar, with serine, which is neutral and polar, at codon 84 of the TINF2 protein (p.Asn84Ser). This variant is not present in population databases (gnomAD no frequency). This variant has not been reported in the literature in individuals affected with TINF2-related conditions. ClinVar contains an entry for this variant (Variation ID: 1011540). An algorithm developed to predict the effect of missense changes on protein structure and function outputs the following: PolyPhen-2: "Possibly Damaging". The serine amino acid residue is found in multiple mammalian species, which suggests that this missense change does not adversely affect protein function. In summary, the available evidence is currently insufficient to determine the role of this variant in disease. Therefore, it has been classified as a Variant of Uncertain Significance.

NM_001099274.3(TINF2):c.251A>G (p.Asn84Ser)

Gene: TINF2 (TERF1 interacting nuclear factor 2; minus strand). Cytogenetic location: 14q12.
Variant type: single nucleotide variant.
Coding change: c.251A>G on transcript NM_001099274.3 (MANE Select); coding-DNA position 251, A replaced by G.
Protein change: p.Asn84Ser; replaces asparagine 84 with serine.
Molecular consequence: missense variant. On other transcripts: intron variant (1).
Genome position (GRCh38, 1-based): chr14:24,241,936, T>C on the plus strand (A>G on the coding strand, the complement: TINF2 is on the minus strand). VCF-style: chr14-24241936-T-C. GRCh37 (hg19) VCF-style: chr14-24711142-T-C.
Other names: c.251A>G, p.Asn84Ser (NM_012461.3); c.193-160A>G (NM_001363668.2); short protein forms N84S.
Identifiers: ClinVar variation 1011540 (VCV001011540.8), dbSNP rs1043122818, ClinGen allele CA257883436.